The following is an entry in ClinVar:

NM_000821.7(GGCX):c.1464C>T (p.Ile488=)

Gene: GGCX (gamma-glutamyl carboxylase; minus strand). Cytogenetic location: 2p11.2.
Variant type: single nucleotide variant.
Coding change: c.1464C>T on transcript NM_000821.7 (MANE Select); coding-DNA position 1464, C replaced by T.
Protein change: p.Ile488=; no amino-acid change (isoleucine 488 retained).
Molecular consequence: synonymous variant.
Genome position (GRCh38, 1-based): chr2:85,551,957, G>A on the plus strand (C>T on the coding strand, the complement: GGCX is on the minus strand). VCF-style: chr2-85551957-G-A. GRCh37 (hg19) VCF-style: chr2-85779080-G-A.
Other names: c.1293C>T, p.Ile431= (NM_001142269.4).
Identifiers: ClinVar variation 1940522 (VCV001940522.2), dbSNP rs748459180, ClinGen allele CA1741803.

ClinVar aggregate classification (germline): Uncertain significance (1 of 4 stars; one submission).

Allele frequency attached by ClinVar (database versions not stated): ExAC 0.00002.

Submission:

Labcorp Genetics (formerly Invitae), Labcorp
Classification: Uncertain significance. Last evaluated: 2022-05-03. Review status: criteria provided, single submitter. Criteria: Invitae Variant Classification Sherloc (09022015). Collection method: clinical testing. Allele origin: germline.
Comment: This sequence change affects codon 488 of the GGCX mRNA. It is a 'silent' change, meaning that it does not change the encoded amino acid sequence of the GGCX protein. This variant is present in population databases (rs748459180, gnomAD 0.007%). This variant has not been reported in the literature in individuals affected with GGCX-related conditions. Algorithms developed to predict the effect of sequence changes on RNA splicing suggest that this variant may create or strengthen a splice site. In summary, the available evidence is currently insufficient to determine the role of this variant in disease. Therefore, it has been classified as a Variant of Uncertain Significance.